The following is an entry in ClinVar:

NM_001003694.2(BRPF1):c.2588A>C (p.Gln863Pro)

Gene: BRPF1 (bromodomain and PHD finger containing 1; plus strand). Cytogenetic location: 3p25.3.
Variant type: single nucleotide variant.
Coding change: c.2588A>C on transcript NM_001003694.2 (MANE Select); coding-DNA position 2588, A replaced by C.
Protein change: p.Gln863Pro; replaces glutamine 863 with proline.
Molecular consequence: missense variant. On other transcripts: non-coding transcript variant (1).
Genome position (GRCh38, 1-based): chr3:9,743,854, A>C. VCF-style: chr3-9743854-A-C. GRCh37 (hg19) VCF-style: chr3-9785538-A-C.
Other names: c.2570A>C, p.Gln857Pro (NM_001319049.2, NM_004634.3); c.2567A>C, p.Gln856Pro (NM_001319050.2); c.2585A>C, p.Gln862Pro (NM_001410704.1); short protein forms Q856P, Q857P, Q862P, Q863P.
Identifiers: ClinVar variation 2584623 (VCV002584623.1), dbSNP rs2471502725, ClinGen allele CA351698488.
Genomic context (GRCh38, chr3:9,743,854, plus strand): 5'-ATGGCCCCTCGAGCCGGGGTAGTCTGACACCCCACCCGGCAGCCTGTGACAAGGATGGGC[A>C]GACAGATAGTGCGGCAGAGGAGAGCAGCAGCCAGGAGACAAGCAAAGGTCTGAATCCCAT-3'
Protein context (NP_001003694.1, residues 853-873): PHPAACDKDG[Gln863Pro]TDSAAEESSS

ClinVar aggregate classification (germline): Uncertain significance (1 of 4 stars; one submission).

Conditions:
Intellectual developmental disorder with dysmorphic facies and ptosis (IDDDFP). Identifiers: Orphanet 698090, MedGen C4310617, MONDO:0015022, OMIM 617333.

Submission:

New York Genome Center
Classification: Uncertain significance for Intellectual developmental disorder with dysmorphic facies and ptosis. Last evaluated: 2022-12-08. Review status: criteria provided, single submitter. Criteria: NYGC Assertion Criteria 2020. Collection method: clinical testing. Allele origin: de novo. Observed: 1 heterozygote.
Comment: The heterozygous c.2570A>C variant in BRPF1 has not previously been reported in the literature or public variant repositories (ClinVar and LOVD) and is absent from population databases (gnomAD v2.1.1 and v3.1.2, TOPMed Freeze 8, All of Us), suggesting it is not a common benign variant in the populations represented in those databases. The c.2570A>C variant in BRPF1 is located in exon 8 of this 14-exon gene and predicted to replace an evolutionarily conserved glutamine amino acid with proline at position 857. The variant is not located within any known functional domain of the encoded protein [Uniprot and PMID: 27939640]. In silico predictions are not in favor of damaging effect for p.(Gln857Pro) [(CADD v1.6 = 21.5, REVEL = 0.178)]; however, there are no functional studies to support or refute these predictions. Based on available evidence this de novo c.2570A>C p.(Gln857Pro) variant identified in BRPF1 is classified as a Variant of Uncertain Significance.